The following is an entry in ClinVar:

ClinVar aggregate classification (germline): Uncertain significance (1 of 4 stars; one submission).

Submission:

Labcorp Genetics (formerly Invitae), Labcorp
Classification: Uncertain significance. Last evaluated: 2026-01-24. Review status: criteria provided, single submitter. Criteria: Invitae Variant Classification Sherloc (09022015). Collection method: clinical testing. Allele origin: germline.
Comment: This sequence change replaces arginine, which is basic and polar, with leucine, which is neutral and non-polar, at codon 783 of the ABL1 protein (p.Arg783Leu). This variant is not present in population databases (gnomAD no frequency). This variant has not been reported in the literature in individuals affected with ABL1-related conditions. Invitae Evidence Modeling of protein sequence and biophysical properties (such as structural, functional, and spatial information, amino acid conservation, physicochemical variation, residue mobility, and thermodynamic stability) indicates that this missense variant is not expected to disrupt ABL1 protein function with a negative predictive value of 95%. In summary, the available evidence is currently insufficient to determine the role of this variant in disease. Therefore, it has been classified as a Variant of Uncertain Significance.

NM_005157.6(ABL1):c.2291G>T (p.Arg764Leu)

Gene: ABL1 (ABL proto-oncogene 1, non-receptor tyrosine kinase; plus strand). Cytogenetic location: 9q34.12.
Variant type: single nucleotide variant.
Coding change: c.2291G>T on transcript NM_005157.6 (MANE Select); coding-DNA position 2291, G replaced by T.
Protein change: p.Arg764Leu; replaces arginine 764 with leucine.
Molecular consequence: missense variant.
Genome position (GRCh38, 1-based): chr9:130,884,581, G>T. VCF-style: chr9-130884581-G-T. GRCh37 (hg19) VCF-style: chr9-133759968-G-T.
Other names: c.2348G>T, p.Arg783Leu (NM_007313.3); short protein forms R764L, R783L.
Identifiers: ClinVar variation 4772002 (VCV004772002.1).